The following is an entry in ClinVar:

ClinVar aggregate classification (germline): Uncertain significance (1 of 4 stars; one submission).

Submission:

Labcorp Genetics (formerly Invitae), Labcorp
Classification: Uncertain significance. Last evaluated: 2024-11-22. Review status: criteria provided, single submitter. Criteria: Invitae Variant Classification Sherloc (09022015). Collection method: clinical testing. Allele origin: germline.
Comment: This sequence change replaces aspartic acid, which is acidic and polar, with glutamic acid, which is acidic and polar, at codon 97 of the SEC63 protein (p.Asp97Glu). This variant is not present in population databases (gnomAD no frequency). This variant has not been reported in the literature in individuals affected with SEC63-related conditions. An algorithm developed to predict the effect of missense changes on protein structure and function (PolyPhen-2) suggests that this variant is likely to be tolerated. In summary, the available evidence is currently insufficient to determine the role of this variant in disease. Therefore, it has been classified as a Variant of Uncertain Significance.

NM_007214.5(SEC63):c.291C>A (p.Asp97Glu)

Gene: SEC63 (SEC63 protein translocation regulator; minus strand). Cytogenetic location: 6q21.
Variant type: single nucleotide variant.
Coding change: c.291C>A on transcript NM_007214.5 (MANE Select); coding-DNA position 291, C replaced by A.
Protein change: p.Asp97Glu; replaces aspartic acid 97 with glutamic acid.
Molecular consequence: missense variant.
Genome position (GRCh38, 1-based): chr6:107,924,866, G>T on the plus strand (C>A on the coding strand, the complement: SEC63 is on the minus strand). VCF-style: chr6-107924866-G-T. GRCh37 (hg19) VCF-style: chr6-108246070-G-T.
Other names: short protein forms D97E.
Identifiers: ClinVar variation 3722480 (VCV003722480.2).